The following is an entry in ClinVar:

NM_003324.5(TULP3):c.810-1G>C

Gene: TULP3 (TUB like protein 3; plus strand). Cytogenetic location: 12p13.33.
Variant type: single nucleotide variant.
Coding change: c.810-1G>C on transcript NM_003324.5 (MANE Select); the canonical splice acceptor site of the intron before coding-DNA position 810, G replaced by C.
Molecular consequence: splice acceptor variant.
Genome position (GRCh38, 1-based): chr12:2,934,446, G>C. VCF-style: chr12-2934446-G-C. GRCh37 (hg19) VCF-style: chr12-3043612-G-C.
Other names: c.810-1G>C (NM_001160408.2).
Identifiers: ClinVar variation 4849437 (VCV004849437.1).

ClinVar aggregate classification (germline): Likely pathogenic (1 of 4 stars; one submission).

Conditions:
Hepatorenocardiac degenerative fibrosis. Identifiers: MedGen C5676996, MONDO:0859254, OMIM 619902.

gnomAD v4.1: 4 of 1,572,452 alleles (0.00025%); highest among the groups gnomAD compares: South Asian, 0.0047%; no homozygotes.

Submission:

First Genomix Gene Laboratory, Genetic Diagnostics Department
Classification: Likely pathogenic for Hepatorenocardiac degenerative fibrosis. Last evaluated: 2025-06-04. Review status: criteria provided, single submitter. Criteria: ACMG Guidelines, 2015. Collection method: clinical testing. Allele origin: germline. Inheritance: Autosomal recessive inheritance. Affected: no. Observed: 1 variant allele.